The following is an entry in ClinVar:

NM_001350120.2(SEMA3C):c.16+10A>G

Gene: SEMA3C (semaphorin 3C; minus strand). Cytogenetic location: 7q21.11.
Variant type: single nucleotide variant.
Coding change: c.16+10A>G on transcript NM_001350120.2; 10 bases into the intron after coding-DNA position 16, A replaced by G.
Molecular consequence: intron variant.
Genome position (GRCh38, 1-based): chr7:80,922,255, T>C on the plus strand (A>G on the coding strand, the complement: SEMA3C is on the minus strand). VCF-style: chr7-80922255-T-C. GRCh37 (hg19) VCF-style: chr7-80551571-T-C.
Identifiers: ClinVar variation 3056700 (VCV003056700.2), dbSNP rs73376617, ClinGen allele CA4316641.
Genomic context (GRCh38, chr7:80,922,255, plus strand): 5'-GGAAGAGAAACTCAAGCGTGATTGCCGTAATGTCTCAGGTTTTTCAATAAGTTTCAATAC[T>C]TCCTCTTACCTTTTTTGCTTAACATTTTTCTCCTCTTTTCTACTTCCCTCTCTTTCTCCT-3'

ClinVar aggregate classification (germline): Benign (0 of 4 stars; one submission).

Conditions:
SEMA3C-related disorder. Also called: SEMA3C-related condition.

Allele frequency attached by ClinVar (database versions not stated): TOPMed 0.04537; 1000 Genomes Project 0.03954; 1000 Genomes Project 30x 0.04122; ExAC 0.05113.
gnomAD v4.1: 41,875 of 1,287,730 alleles (3.3%); highest among the groups gnomAD compares: African/African-American, 7.9%; 854 homozygotes.

Submission:

PreventionGenetics, part of Exact Sciences
Classification: Benign for SEMA3C-related condition. Last evaluated: 2023-01-03. Review status: no assertion criteria provided. Collection method: clinical testing. Allele origin: germline.
Comment: This variant is classified as benign based on ACMG/AMP sequence variant interpretation guidelines (Richards et al. 2015 PMID: 25741868, with internal and published modifications).